The following is an entry in ClinVar:

ClinVar aggregate classification (germline): Benign/Likely benign. Review status: criteria provided, multiple submitters, no conflicts (2 of 4 stars). 5 submissions from 4 submitters: Benign (1); Likely benign (4). Last evaluated 2025-04-03.

Conditions:
Autosomal dominant cerebellar ataxia. Also called: Spinocerebellar Ataxia, Dominant. Identifiers: Orphanet 99, MedGen C4087347, MONDO:0020380.
Charcot-Marie-Tooth disease axonal type 2O. Also called: CHARCOT-MARIE-TOOTH NEUROPATHY, AXONAL, TYPE 2O; CHARCOT-MARIE-TOOTH DISEASE, AXONAL, AUTOSOMAL DOMINANT, TYPE 2O; Charcot-Marie-Tooth Neuropathy Type 2O; Charcot-Marie-Tooth disease, axonal, type 20. Identifiers: Orphanet 284232, MedGen C3280220, MONDO:0013644, OMIM 614228.

Allele frequency attached by ClinVar (database versions not stated): gnomAD 0.00007 and 0.00008; TOPMed 0.00009; ExAC 0.00010; 1000 Genomes Project 30x 0.00016; gnomAD exomes 0.00017; 1000 Genomes Project 0.00020.
gnomAD v4.1: 51 of 1,614,138 alleles (0.0032%); highest among the groups gnomAD compares: East Asian, 0.11%; no homozygotes.

Submissions (5):

Women's Health and Genetics/Laboratory Corporation of America, LabCorp
Classification: Benign. Last evaluated: 2025-04-03. Review status: criteria provided, single submitter. Criteria: LabCorp Variant Classification Summary - May 2015. Collection method: clinical testing. Allele origin: germline.

Labcorp Genetics (formerly Invitae), Labcorp
Classification: Likely benign for Charcot-Marie-Tooth disease axonal type 2O. Last evaluated: 2025-01-20. Review status: criteria provided, single submitter. Criteria: Invitae Variant Classification Sherloc (09022015). Collection method: clinical testing. Allele origin: germline.

CeGaT Center for Human Genetics Tuebingen
Classification: Likely benign. Last evaluated: 2024-05-01. Review status: criteria provided, single submitter. Criteria: CeGaT Center For Human Genetics Tuebingen Variant Classification Criteria Version 2. Collection method: clinical testing. Allele origin: germline. Affected: yes. Observed: 1 variant allele.
Comment: DYNC1H1: BP4, BP7

Illumina Laboratory Services, Illumina
Classification: Likely benign for Spinocerebellar Ataxia, Dominant. Last evaluated: 2018-01-12. Review status: criteria provided, single submitter. Criteria: ICSL Variant Classification Criteria 13 December 2019. Collection method: clinical testing. Allele origin: germline.
Comment: This variant was observed in the ICSL laboratory as part of a predisposition screen in an ostensibly healthy population. It had not been previously curated by ICSL or reported in the Human Gene Mutation Database (HGMD: prior to June 1st, 2018), and was therefore a candidate for classification through an automated scoring system. Utilizing variant allele frequency, disease prevalence and penetrance estimates, and inheritance mode, an automated score was calculated to assess if this variant is too frequent to cause the disease. Based on the score and internal cut-off values, a variant classified as likely benign is not then subjected to further curation. The score for this variant resulted in a classification of likely benign for this disease.

Illumina Laboratory Services, Illumina
Classification: Likely benign for Charcot-Marie-Tooth disease axonal type 2O. Last evaluated: 2018-01-12. Review status: criteria provided, single submitter. Criteria: ICSL Variant Classification Criteria 13 December 2019. Collection method: clinical testing. Allele origin: germline.
Comment: the same text as in the submission from Illumina Laboratory Services, Illumina above.

NM_001376.5(DYNC1H1):c.10506C>A (p.Thr3502=)

Gene: DYNC1H1 (dynein cytoplasmic 1 heavy chain 1; plus strand). Cytogenetic location: 14q32.31.
Variant type: single nucleotide variant.
Coding change: c.10506C>A on transcript NM_001376.5 (MANE Select); coding-DNA position 10506, C replaced by A.
Protein change: p.Thr3502=; no amino-acid change (threonine 3502 retained).
Molecular consequence: synonymous variant.
Genome position (GRCh38, 1-based): chr14:102,034,068, C>A. VCF-style: chr14-102034068-C-A. GRCh37 (hg19) VCF-style: chr14-102500405-C-A.
Identifiers: ClinVar variation 472504 (VCV000472504.35), dbSNP rs548760128, ClinGen allele CA7353423.
Genomic context (GRCh38, chr14:102,034,068, plus strand): 5'-GTCTGCTGAACGTGAACGATGGGAAAAAACAAGTGAAACTTTCAAAAACCAGATGTCCAC[C>A]ATTGCTGGGGACTGTCTCTTGTCAGCTGCGTTCATTGCCTACGCGGGTTACTTTGACCAG-3'
Protein context (NP_001367.2, residues 3492-3512): TSETFKNQMS[Thr3502=]IAGDCLLSAA